The following is an entry in ClinVar:

NM_003835.4(RGS9):c.135C>T (p.Ser45=)

Gene: RGS9 (regulator of G protein signaling 9; plus strand). Cytogenetic location: 17q24.1.
Variant type: single nucleotide variant.
Coding change: c.135C>T on transcript NM_003835.4 (MANE Select); coding-DNA position 135, C replaced by T.
Protein change: p.Ser45=; no amino-acid change (serine 45 retained).
Molecular consequence: synonymous variant.
Genome position (GRCh38, 1-based): chr17:65,153,499, C>T. VCF-style: chr17-65153499-C-T. GRCh37 (hg19) VCF-style: chr17-63149617-C-T.
Other names: c.135C>T, p.Ser45= (NM_001081955.3, NM_001165933.2); c.135C>T (NM_003835.3).
Identifiers: ClinVar variation 1170513 (VCV001170513.33), dbSNP rs185197038, ClinGen allele CA8717492.

ClinVar aggregate classification (germline): Benign/Likely benign. Review status: criteria provided, multiple submitters, no conflicts (2 of 4 stars). 4 submissions from 4 submitters: Benign (1); Likely benign (2). 1 of the submissions does not count toward it. Last evaluated 2025-12-02.

Conditions:
RGS9-related disorder. Also called: RGS9-related condition.

Allele frequency attached by ClinVar (database versions not stated): 1000 Genomes Project 0.00040; ESP Exome Variant Server 0.00041; 1000 Genomes Project 30x 0.00047; gnomAD 0.00073 and 0.00076; ExAC 0.00076; gnomAD exomes 0.00076 and 0.00083.
gnomAD v4.1: 1,189 of 1,613,930 alleles (0.074%); highest among the groups gnomAD compares: Non-Finnish European, 0.08%; no homozygotes.

Submissions (4):

Labcorp Genetics (formerly Invitae), Labcorp
Classification: Benign. Last evaluated: 2025-12-02. Review status: criteria provided, single submitter. Criteria: Invitae Variant Classification Sherloc (09022015). Collection method: clinical testing. Allele origin: germline.

Blueprint Genetics
Classification: Likely benign. Last evaluated: 2024-11-27. Review status: criteria provided, single submitter. Criteria: ACMG Guidelines, 2015. Collection method: clinical testing. Allele origin: germline.

CeGaT Center for Human Genetics Tuebingen
Classification: Likely benign. Last evaluated: 2023-12-01. Review status: criteria provided, single submitter. Criteria: CeGaT Center For Human Genetics Tuebingen Variant Classification Criteria Version 2. Collection method: clinical testing. Allele origin: germline. Affected: yes. Observed: 1 variant allele.
Comment: RGS9: BP4, BP7

PreventionGenetics, part of Exact Sciences
Classification: Likely benign for RGS9-related condition. Last evaluated: 2019-11-06. Review status: no assertion criteria provided. Collection method: clinical testing. Allele origin: germline. Not counted in ClinVar's aggregate classification.
Comment: This variant is classified as likely benign based on ACMG/AMP sequence variant interpretation guidelines (Richards et al. 2015 PMID: 25741868, with internal and published modifications).